The following is an entry in ClinVar:

NM_014014.5(SNRNP200):c.2530_2531delinsGG (p.Leu844Gly)

Gene: SNRNP200 (small nuclear ribonucleoprotein U5 subunit 200; minus strand). Cytogenetic location: 2q11.2.
Variant type: Indel.
Coding change: c.2530_2531delinsGG on transcript NM_014014.5 (MANE Select); coding-DNA positions 2530 to 2531, CT replaced by GG.
Protein change: p.Leu844Gly; replaces leucine 844 with glycine.
Molecular consequence: missense variant.
Genome position (GRCh38, 1-based): chr2:96,290,706-96,290,707, AG replaced by CC on the plus strand (CT replaced by GG on the coding strand, the reverse complement: SNRNP200 is on the minus strand). VCF-style: chr2-96290706-AG-CC. GRCh37 (hg19) VCF-style: chr2-96956444-AG-CC.
Other names: short protein forms L844G.
Identifiers: ClinVar variation 3393831 (VCV003393831.1).

ClinVar aggregate classification (germline): Uncertain significance (1 of 4 stars; one submission).

Submission:

GeneDx
Classification: Uncertain significance. Last evaluated: 2024-07-02. Review status: criteria provided, single submitter. Criteria: GeneDx Variant Classification Process June 2021. Collection method: clinical testing. Allele origin: germline. Affected: yes.
Comment: Not observed at significant frequency in large population cohorts (gnomAD); In silico analysis supports a deleterious effect on protein structure/function; Has not been previously published as pathogenic or benign to our knowledge